The following is an entry in ClinVar:

NM_001286577.2(C2CD3):c.1671dup (p.Thr558fs)

Gene: C2CD3 (C2 domain containing 3 centriole elongation regulator; minus strand). Cytogenetic location: 11q13.4.
Variant type: Duplication.
Coding change: c.1671dup on transcript NM_001286577.2 (MANE Select); coding-DNA position 1671, one base duplicated (G; older notation c.1671dupG).
Protein change: p.Thr558fs; shifts the reading frame from threonine 558.
Molecular consequence: frameshift variant.
Genome position (GRCh38, 1-based): chr11:74,114,443, C duplicated on the plus strand (G on the coding strand, the reverse complement: C2CD3 is on the minus strand). VCF-style (leftmost placement, unchanged base first): chr11-74114442-T-TC. GRCh37 (hg19) VCF-style: chr11-73825487-T-TC.
Other names: c.1671dup, p.Thr558fs (NM_015531.6); short protein forms T558fs.
Identifiers: ClinVar variation 2824597 (VCV002824597.3), dbSNP rs2496492248, ClinGen allele CA2739270675.
Genomic context (GRCh38, chr11:74,114,442, plus strand): 5'-ACCGCTTTTTTGCTGTAGTCACCTTAGGTGGTGGACCAGCATAGCTTTTTTTGCCAGGGG[T>TC]CATCTGAGGACTATCTGGAGGAACTCCCATGGTTTCGATGATGATTCTGACTGAATGTGT-3'

ClinVar aggregate classification (germline): Pathogenic (1 of 4 stars; one submission).

Submission:

Labcorp Genetics (formerly Invitae), Labcorp
Classification: Pathogenic. Last evaluated: 2023-02-22. Review status: criteria provided, single submitter. Criteria: Invitae Variant Classification Sherloc (09022015). Collection method: clinical testing. Allele origin: germline.
Comment: This sequence change creates a premature translational stop signal (p.Thr558Aspfs*13) in the C2CD3 gene. It is expected to result in an absent or disrupted protein product. Loss-of-function variants in C2CD3 are known to be pathogenic (PMID: 24997988, 26477546). This variant is not present in population databases (gnomAD no frequency). This variant has not been reported in the literature in individuals affected with C2CD3-related conditions. For these reasons, this variant has been classified as Pathogenic.

Literature cited by the submitters: PubMed 24997988; PubMed 26477546.